The following is an entry in ClinVar:

NM_006363.6(SEC23B):c.1909del (p.Val637fs)

Gene: SEC23B (SEC23 homolog B, COPII component; plus strand). Cytogenetic location: 20p11.23.
Variant type: Deletion.
Coding change: c.1909del on transcript NM_006363.6 (MANE Select); coding-DNA position 1909, one base deleted (G; older notation c.1909delG).
Protein change: p.Val637fs; shifts the reading frame from valine 637.
Molecular consequence: frameshift variant.
Genome position (GRCh38, 1-based): chr20:18,551,092, G deleted. VCF-style (leftmost placement, unchanged base first): chr20-18551091-AG-A. GRCh37 (hg19) VCF-style: chr20-18531735-AG-A.
Other names: c.1909del, p.Val637fs (NM_001172745.3, NM_032985.6, NM_032986.5); c.1855del, p.Val619fs (NM_001172746.3); short protein forms V619fs, V637fs.
Identifiers: ClinVar variation 2199307 (VCV002199307.4), dbSNP rs1349052942, ClinGen allele CA634870073.

ClinVar aggregate classification (germline): Pathogenic (1 of 4 stars; one submission).

Conditions:
Congenital dyserythropoietic anemia, type II (CDAN2). Also called: DYSERYTHROPOIETIC ANEMIA, HEMPAS TYPE. Identifiers: Orphanet 98873, MedGen C1306589, MONDO:0009134, OMIM 224100.
Cowden syndrome 7 (CWS7). Identifiers: Orphanet 201, MedGen C4225179, MONDO:0014802, OMIM 616858.

Allele frequency attached by ClinVar (database versions not stated): gnomAD exomes below 0.00001.

Submission:

Labcorp Genetics (formerly Invitae), Labcorp
Classification: Pathogenic for Congenital dyserythropoietic anemia, type II; Cowden syndrome 7. Last evaluated: 2025-09-24. Review status: criteria provided, single submitter. Criteria: Invitae Variant Classification Sherloc (09022015). Collection method: clinical testing. Allele origin: germline.
Comment: This sequence change creates a premature translational stop signal (p.Val637Tyrfs*9) in the SEC23B gene. It is expected to result in an absent or disrupted protein product. Loss-of-function variants in SEC23B are known to be pathogenic (PMID: 19561605, 25044164). This variant is present in population databases (no rsID available, gnomAD 0.0009%). This variant has not been reported in the literature in individuals affected with SEC23B-related conditions. ClinVar contains an entry for this variant (Variation ID: 2199307). For these reasons, this variant has been classified as Pathogenic.

Literature cited by the submitters: PubMed 19561605; PubMed 25044164.